The following is an entry in ClinVar:

NM_000522.5(HOXA13):c.22C>T (p.His8Tyr)

Genes: HOXA13 (homeobox A13; minus strand), LOC107126288 (NUP98-HOXA13 recombination region; plus strand). Cytogenetic location: 7p15.2.
Variant type: single nucleotide variant.
Coding change: c.22C>T on transcript NM_000522.5 (MANE Select); coding-DNA position 22, C replaced by T.
Protein change: p.His8Tyr; replaces histidine 8 with tyrosine.
Molecular consequence: missense variant.
Genome position (GRCh38, 1-based): chr7:27,200,056, G>A on the plus strand (C>T on the coding strand, the complement: HOXA13 is on the minus strand). VCF-style: chr7-27200056-G-A. GRCh37 (hg19) VCF-style: chr7-27239675-G-A.
Other names: short protein forms H8Y.
Identifiers: ClinVar variation 3694449 (VCV003694449.2).

ClinVar aggregate classification (germline): Uncertain significance (1 of 4 stars; one submission).

Submission:

Labcorp Genetics (formerly Invitae), Labcorp
Classification: Uncertain significance. Last evaluated: 2024-04-08. Review status: criteria provided, single submitter. Criteria: Invitae Variant Classification Sherloc (09022015). Collection method: clinical testing. Allele origin: germline.
Comment: This sequence change replaces histidine, which is basic and polar, with tyrosine, which is neutral and polar, at codon 8 of the HOXA13 protein (p.His8Tyr). This variant is present in population databases (no rsID available, gnomAD 0.007%). This variant has not been reported in the literature in individuals affected with HOXA13-related conditions. Advanced modeling of protein sequence and biophysical properties (such as structural, functional, and spatial information, amino acid conservation, physicochemical variation, residue mobility, and thermodynamic stability) performed at Invitae indicates that this missense variant is not expected to disrupt HOXA13 protein function with a negative predictive value of 80%. In summary, the available evidence is currently insufficient to determine the role of this variant in disease. Therefore, it has been classified as a Variant of Uncertain Significance.